The following is an entry in ClinVar:

ClinVar aggregate classification (germline): Likely benign. Review status: criteria provided, multiple submitters, no conflicts (2 of 4 stars). 2 submissions from 2 submitters: Likely benign (2). Last evaluated 2026-06-28.

Conditions:
Hereditary cancer-predisposing syndrome. Also called: Hereditary Cancer Syndrome; Neoplastic Syndromes, Hereditary; Tumor predisposition; Hereditary neoplastic syndrome. Identifiers: Orphanet 140162, MedGen C0027672, MeSH D009386, MONDO:0015356.

Submissions (2):

Ambry Genetics
Classification: Likely benign for Hereditary cancer-predisposing syndrome. Last evaluated: 2026-06-28. Review status: criteria provided, single submitter. Criteria: Ambry Variant Classification Scheme 2023. Collection method: clinical testing. Allele origin: germline.

CeGaT Center for Human Genetics Tuebingen
Classification: Likely benign. Last evaluated: 2025-08-01. Review status: criteria provided, single submitter. Criteria: CeGaT Center For Human Genetics Tuebingen Variant Classification Criteria Version 2. Collection method: clinical testing. Allele origin: germline. Affected: yes. Observed: 1 variant allele.
Comment: TSC1: PM2:Supporting, BP4, BP7

NM_000368.5(TSC1):c.2661G>A (p.Glu887=)

Gene: TSC1 (TSC complex subunit 1; minus strand). Cytogenetic location: 9q34.13.
Variant type: single nucleotide variant.
Coding change: c.2661G>A on transcript NM_000368.5 (MANE Select); coding-DNA position 2661, G replaced by A.
Protein change: p.Glu887=; no amino-acid change (glutamic acid 887 retained).
Molecular consequence: synonymous variant. On other transcripts: non-coding transcript variant (5).
Genome position (GRCh38, 1-based): chr9:132,897,575, C>T on the plus strand (G>A on the coding strand, the complement: TSC1 is on the minus strand). VCF-style: chr9-132897575-C-T. GRCh37 (hg19) VCF-style: chr9-135772962-C-T.
Other names: c.2658G>A, p.Glu886= (NM_001162426.2, NM_001406597.1, NM_001406598.1 and 2 more transcripts); c.2508G>A, p.Glu836= (NM_001162427.2, NM_001406610.1); c.2298G>A, p.Glu766= (NM_001362177.2, NM_001406614.1, NM_001406615.1 and 4 more transcripts); c.2661G>A, p.Glu887= (NM_001406592.1, NM_001406593.1, NM_001406594.1 and 2 more transcripts); c.2646G>A, p.Glu882= (NM_001406601.1, NM_001406602.1); c.2643G>A, p.Glu881= (NM_001406603.1, NM_001406604.1); c.2619G>A, p.Glu873= (NM_001406605.1, NM_001406606.1, NM_001406607.1); c.2616G>A, p.Glu872= (NM_001406608.1, NM_001406609.1); and 8 more.
Identifiers: ClinVar variation 4085732 (VCV004085732.9).